The following is an entry in ClinVar:

ClinVar aggregate classification (germline): Likely benign. Review status: criteria provided, multiple submitters, no conflicts (2 of 4 stars). 3 submissions from 3 submitters: Likely benign (2). 1 of the submissions does not count toward it. Last evaluated 2018-01-13.

Conditions:
HABP2-related disorder. Also called: HABP2-related condition.
Factor VII-activating protease marburg I. Identifiers: MedGen CN068943.

Allele frequency attached by ClinVar (database versions not stated): gnomAD exomes 0.00031 and 0.00075; ExAC 0.00083; gnomAD 0.00264 and 0.00277; ESP Exome Variant Server 0.00269; 1000 Genomes Project 0.00319; TOPMed 0.00323; 1000 Genomes Project 30x 0.00406.
gnomAD v4.1: 865 of 1,612,638 alleles (0.054%); highest among the groups gnomAD compares: African/African-American, 0.94%; 6 homozygotes.

Submissions (3):

Illumina Laboratory Services, Illumina
Classification: Likely benign for Factor VII Marburg I Variant Thrombophilia. Last evaluated: 2018-01-13. Review status: criteria provided, single submitter. Criteria: ICSL Variant Classification Criteria 13 December 2019. Collection method: clinical testing. Allele origin: germline.
Comment: This variant was observed in the ICSL laboratory as part of a predisposition screen in an ostensibly healthy population. It had not been previously curated by ICSL or reported in the Human Gene Mutation Database (HGMD: prior to June 1st, 2018), and was therefore a candidate for classification through an automated scoring system. Utilizing variant allele frequency, disease prevalence and penetrance estimates, and inheritance mode, an automated score was calculated to assess if this variant is too frequent to cause the disease. Based on the score and internal cut-off values, a variant classified as likely benign is not then subjected to further curation. The score for this variant resulted in a classification of likely benign for this disease.

Breakthrough Genomics
Classification: Likely benign. Review status: criteria provided, single submitter. Criteria: ACMG Guidelines, 2015. Collection method: not provided. Allele origin: germline. Inheritance: Autosomal dominant inheritance. Affected: yes.

PreventionGenetics, part of Exact Sciences
Classification: Likely benign for HABP2-related condition. Last evaluated: 2020-01-06. Review status: no assertion criteria provided. Collection method: clinical testing. Allele origin: germline. Not counted in ClinVar's aggregate classification.
Comment: This variant is classified as likely benign based on ACMG/AMP sequence variant interpretation guidelines (Richards et al. 2015 PMID: 25741868, with internal and published modifications).

NM_004132.5(HABP2):c.268G>A (p.Val90Ile)

Gene: HABP2 (hyaluronan binding protein 2; plus strand). Cytogenetic location: 10q25.3.
Variant type: single nucleotide variant.
Coding change: c.268G>A on transcript NM_004132.5 (MANE Select); coding-DNA position 268, G replaced by A.
Protein change: p.Val90Ile; replaces valine 90 with isoleucine.
Molecular consequence: missense variant.
Genome position (GRCh38, 1-based): chr10:113,575,941, G>A. VCF-style: chr10-113575941-G-A. GRCh37 (hg19) VCF-style: chr10-115335700-G-A.
Other names: c.268G>A (NM_004132.4); c.190G>A, p.Val64Ile (NM_001177660.3); short protein forms V90I, V64I.
Identifiers: ClinVar variation 877806 (VCV000877806.7), dbSNP rs11575750, ClinGen allele CA5693542.